The following is an entry in ClinVar:

NM_000238.4(KCNH2):c.2775dup (p.Pro926fs)

Gene: KCNH2 (potassium voltage-gated channel subfamily H member 2; minus strand). Cytogenetic location: 7q36.1.
Variant type: Duplication.
Coding change: c.2775dup on transcript NM_000238.4 (MANE Select); coding-DNA position 2775, one base duplicated (G; older notation c.2775dupG).
Protein change: p.Pro926fs; shifts the reading frame from proline 926.
Molecular consequence: frameshift variant.
Genome position (GRCh38, 1-based): chr7:150,947,796, C duplicated on the plus strand (G on the coding strand, the reverse complement: KCNH2 is on the minus strand); the first of 7 consecutive C bases (chr7:150,947,796-150,947,802); duplicating any one gives the same sequence. VCF-style (leftmost placement, unchanged base first): chr7-150947795-G-GC. GRCh37 (hg19) VCF-style: chr7-150644883-G-GC.
Other names: c.1755dup, p.Pro586fs (NM_172057.3); c.2775dupG (NM_000238.3); c.2775dup (NM_000238.2); short protein forms P926fs, P586fs.
Identifiers: ClinVar variation 200672 (VCV000200672.27), dbSNP rs794728455, ClinGen allele CA305328.
Genomic context (GRCh38, chr7:150,947,795, plus strand): 5'-GGCCCTCATCCTCACTGCTCTCAGGGCTGGAGGGGCCACTGGACGGGCTCTCCCCCCACG[G>GC]CCCCCCCGGCCGGCCCCGGCTACTCGGCCCTGCCCCCGCCCGGCCCGGCCCCAAGGCCGA-3'

ClinVar aggregate classification (germline): Pathogenic. Review status: criteria provided, multiple submitters, no conflicts (2 of 4 stars). 10 submissions from 9 submitters: Pathogenic (8). 2 of the submissions do not count toward it. Last evaluated 2026-01-09.

Conditions:
KCNH2-related disorder. Also called: KCNH2-related condition; KCNH2-related disorders.
Cardiovascular phenotype. Identifiers: MedGen CN230736.
Cardiac arrhythmia. Also called: Arrhythmia; Cardiac rhythm disease. Identifiers: MedGen C0003811, MONDO:0007263, HP:0011675.
Long QT syndrome 1/2, digenic (LQT1/2, DIGENIC). Also called: Long QT syndrome 1/2. Identifiers: MedGen C3277700.
Long QT syndrome (LQTS). Identifiers: MedGen C0023976, MeSH D008133, MONDO:0002442. Disease mechanism: loss of function. Inheritance: Various modes of inheritance.
Long QT syndrome 2 (LQT2). Identifiers: Orphanet 101016, Orphanet 768, MedGen C3150943, MONDO:0013367, OMIM 613688.

Submissions (10):

Labcorp Genetics (formerly Invitae), Labcorp
Classification: Pathogenic for Long QT syndrome. Last evaluated: 2026-01-09. Review status: criteria provided, single submitter. Criteria: Invitae Variant Classification Sherloc (09022015). Collection method: clinical testing. Allele origin: germline.
Comment: This sequence change creates a premature translational stop signal (p.Pro926Alafs*14) in the KCNH2 gene. It is expected to result in an absent or disrupted protein product. Loss-of-function variants in KCNH2 are known to be pathogenic (PMID: 10973849, 19862833). The frequency data for this variant in the population databases is considered unreliable, as metrics indicate poor data quality at this position in the gnomAD database. This premature translational stop signal has been observed in individual(s) with long QT syndrome (PMID: 10973849, 20181576, 21419236). ClinVar contains an entry for this variant (Variation ID: 200672). For these reasons, this variant has been classified as Pathogenic.

Ambry Genetics
Classification: Pathogenic for Cardiovascular phenotype. Last evaluated: 2025-08-22. Review status: criteria provided, single submitter. Criteria: Ambry Variant Classification Scheme 2023. Collection method: clinical testing. Allele origin: germline.
Comment: The c.2775dupG pathogenic mutation, located in coding exon 12 of the KCNH2 gene, results from a duplication of G at nucleotide position 2775, causing a translational frameshift with a predicted alternate stop codon (p.P926Afs*14). This variant was identified in one or more individuals with features consistent with long QT syndrome and segregated with disease in at least one family (Nof E et al. Circ Cardiovasc Genet. 2010;3(2):199-206; Zarraga IG et al. Heart Rhythm. 2011;8(8):1200-6; Cann F et al, 2017 01;91:22-29). In assays testing KCNH2 function, this variant showed a functionally abnormal result (Nof E et al. Circ Cardiovasc Genet. 2010;3(2):199-206; Zarraga IG et al. Heart Rhythm. 2011;8(8):1200-6). This alteration is expected to result in loss of function by premature protein truncation or nonsense-mediated mRNA decay. As such, this alteration is interpreted as a disease-causing mutation.

All of Us Research Program, National Institutes of Health
Classification: Pathogenic for Long QT syndrome. Last evaluated: 2023-09-18. Review status: criteria provided, single submitter. Criteria: ACMG Guidelines, 2015. Collection method: clinical testing. Allele origin: germline. Inheritance: Autosomal dominant inheritance. Observed: 1 variant allele, 1 heterozygote.
Comment: This variant causes a duplication of 1 nucleotide in exon 12 of the KCNH2 gene, creating a frameshift and premature translation stop signal. This variant is expected to result in an absent or non-functional protein product. Functional studies have shown that this variant causes decreased expression of KCNH2 resulting in a reduction in channel current density in HEK293 cells (PMID: 20181576, 21419236). This variant has been reported in at least eight unrelated individuals affected with long QT syndrome (PMID: 10973849, 21419236, 20181576, 26669661, 30369311, 32383558). It has been shown that this variant segregates with disease in multiple individuals from two of these families (PMID: 20181576, 21419236). This variant has also been reported in an individual affected with sudden cardiac death (PMID: 27000522). This variant has been identified in 1/127658 chromosomes in the general population by the Genome Aggregation Database (gnomAD). Loss of KCNH2 function is a known mechanism of disease. Based on the available evidence, this variant is classified as Pathogenic.

This study involves interpretation of variants in research participants for the purpose of population health screening. Participant phenotype was not available at the time of variant classification. Additional details can be found in publication PMID: 35346344, PMCID: PMC8962531

ARUP Laboratories, Molecular Genetics and Genomics, ARUP Laboratories
Classification: Pathogenic. Last evaluated: 2023-09-05. Review status: criteria provided, single submitter. Criteria: ARUP Molecular Germline Variant Investigation Process 2024. Collection method: clinical testing. Allele origin: germline.
Comment: The KCNH2 c.2775dup; p.Pro926Alafs*14 variant (rs794728455) is reported in the literature in multiple individuals in the heterozygous state affected with Long QT syndrome (Choi 2021, Nof 2010, Westphal 2020, Zarraga 2011). This variant is reported in ClinVar (Variation ID: 200672) and is only observed on one allele in the Genome Aggregation Database, indicating it is not a common polymorphism. In vitro/In vivo functional analyses demonstrate reduced cellular currents (Nof 2010, Zarraga 2011). This variant causes a frameshift by inserting a single nucleotide, so it is predicted to result in a truncated protein or mRNA subject to nonsense-mediated decay. Based on available information, this variant is considered to be pathogenic. References: Choi SH et al. Rare Coding Variants Associated with Electrocardiographic Intervals Identify Monogenic Arrhythmia Susceptibility Genes: A Multi-Ancestry Analysis. Circ Genom Precis Med. 2021. PMID: 34319147. Nof E et al. A common single nucleotide polymorphism can exacerbate long-QT type 2 syndrome leading to sudden infant death. Circ Cardiovasc Genet. 2010. PMID: 20181576. Westphal DS. Reclassification of genetic variants in children with long QT syndrome. Mol Genet Genomic Med. 2020. PMID: 32383558. Zarraga IG et al. Nonsense-mediated mRNA decay caused by a frameshift mutation in a large kindred of type 2 long QT syndrome. Heart Rhythm. 2011. PMID: 21419236.

Blueprint Genetics
Classification: Pathogenic for KCNH2-related disorders. Last evaluated: 2023-08-16. Review status: criteria provided, single submitter. Criteria: ACMG Guidelines, 2015. Collection method: clinical testing. Allele origin: germline. Affected: yes. Observed: 5 variant alleles.

Color Diagnostics, LLC DBA Color Health
Classification: Pathogenic for Cardiac arrhythmia. Last evaluated: 2023-07-24. Review status: criteria provided, single submitter. Criteria: ACMG Guidelines, 2015. Collection method: clinical testing. Allele origin: germline.
Comment: This variant causes a duplication of 1 nucleotide in exon 12 of the KCNH2 gene, creating a frameshift and premature translation stop signal. This variant is expected to result in an absent or non-functional protein product. Functional studies have shown that this variant causes decreased expression of KCNH2 resulting in a reduction in channel current density in HEK293 cells (PMID: 20181576, 21419236). This variant has been reported in at least eight unrelated individuals affected with long QT syndrome (PMID: 10973849, 21419236, 20181576, 26669661, 30369311, 32383558). It has been shown that this variant segregates with disease in multiple individuals from two of these families (PMID: 20181576, 21419236). This variant has also been reported in an individual affected with sudden cardiac death (PMID: 27000522). This variant has been identified in 1/127658 chromosomes in the general population by the Genome Aggregation Database (gnomAD). Loss of KCNH2 function is a known mechanism of disease. Based on the available evidence, this variant is classified as Pathogenic.

Molecular Diagnostic Laboratory for Inherited Cardiovascular Disease, Montreal Heart Institute
Classification: Pathogenic for Cardiovascular phenotype. Last evaluated: 2022-07-06. Review status: criteria provided, single submitter. Criteria: ACMG Guidelines, 2015. Collection method: clinical testing. Allele origin: germline. Affected: yes.

GeneDx
Classification: Pathogenic. Last evaluated: 2022-06-15. Review status: criteria provided, single submitter. Criteria: GeneDx Variant Classification Process June 2021. Collection method: clinical testing. Allele origin: germline. Affected: yes.
Comment: Frameshift variant predicted to result in protein truncation or nonsense mediated decay in a gene for which loss of function is a known mechanism of disease; Not observed at significant frequency in large population cohorts (gnomAD); This variant is associated with the following publications: (PMID: 22988594, 21215473, 21419236, 24065925, 23304551, 28363160, 10973849, 20181576, 22956155, 30369311, 26669661, 29739726, 16922724, 32383558, 34319147, 34127479, 27000522)

OMIM
Classification: Pathogenic for LONG QT SYNDROME 2. Last evaluated: 2006-09-01. Review status: no assertion criteria provided. Collection method: literature only. Allele origin: germline. Not counted in ClinVar's aggregate classification.

OMIM
Classification: Pathogenic for LONG QT SYNDROME 1/2, DIGENIC. Last evaluated: 2006-09-01. Review status: no assertion criteria provided. Collection method: literature only. Allele origin: germline. Not counted in ClinVar's aggregate classification.

Literature cited by the submitters: PubMed 10973849 (cited by 5 submitters); PubMed 19862833 (cited by Labcorp Genetics (formerly Invitae), Labcorp); PubMed 20181576 (cited by 4 submitters); PubMed 21419236 (cited by 4 submitters); PubMed 27000522 (cited by 3 submitters); PubMed 32383558 (cited by 3 submitters); PubMed 26669661 (cited by All of Us Research Program, National Institutes of Health and Color Diagnostics, LLC DBA Color Health); PubMed 30369311 (cited by All of Us Research Program, National Institutes of Health and Color Diagnostics, LLC DBA Color Health); PubMed 16922724 (cited by OMIM).